The following is an entry in ClinVar:

ClinVar aggregate classification (germline): Uncertain significance (1 of 4 stars; one submission).

Submission:

GeneDx
Classification: Uncertain significance. Last evaluated: 2023-12-01. Review status: criteria provided, single submitter. Criteria: GeneDx Variant Classification Process June 2021. Collection method: clinical testing. Allele origin: germline. Affected: yes.
Comment: Not observed at significant frequency in large population cohorts (gnomAD); In silico analysis supports that this missense variant has a deleterious effect on protein structure/function; Has not been previously published as pathogenic or benign to our knowledge

NM_006922.4(SCN3A):c.2842A>T (p.Met948Leu)

Gene: SCN3A (sodium voltage-gated channel alpha subunit 3; minus strand). Cytogenetic location: 2q24.3.
Variant type: single nucleotide variant.
Coding change: c.2842A>T on transcript NM_006922.4 (MANE Select); coding-DNA position 2842, A replaced by T.
Protein change: p.Met948Leu; replaces methionine 948 with leucine.
Molecular consequence: missense variant.
Genome position (GRCh38, 1-based): chr2:165,130,020, T>A on the plus strand (A>T on the coding strand, the complement: SCN3A is on the minus strand). VCF-style: chr2-165130020-T-A. GRCh37 (hg19) VCF-style: chr2-165986530-T-A.
Other names: c.2695A>T, p.Met899Leu (NM_001081676.2, NM_001081677.2); short protein forms M899L, M948L.
Identifiers: ClinVar variation 3365036 (VCV003365036.1).